The following is an entry in ClinVar:

ClinVar aggregate classification (germline): Uncertain significance (1 of 4 stars; one submission).

Conditions:
Neurodegeneration with brain iron accumulation 6 (NBIA6). Also called: COASY protein-associated neurodegeneration. Identifiers: Orphanet 397725, MedGen C4517377, MONDO:0014290, OMIM 615643.

Allele frequency attached by ClinVar (database versions not stated): TOPMed below 0.00001.

Submission:

Labcorp Genetics (formerly Invitae), Labcorp
Classification: Uncertain significance for Neurodegeneration with brain iron accumulation 6. Last evaluated: 2023-12-18. Review status: criteria provided, single submitter. Criteria: Invitae Variant Classification Sherloc (09022015). Collection method: clinical testing. Allele origin: germline.
Comment: This sequence change replaces aspartic acid, which is acidic and polar, with glutamic acid, which is acidic and polar, at codon 82 of the COASY protein (p.Asp82Glu). This variant is not present in population databases (gnomAD no frequency). This variant has not been reported in the literature in individuals affected with COASY-related conditions. Advanced modeling of protein sequence and biophysical properties (such as structural, functional, and spatial information, amino acid conservation, physicochemical variation, residue mobility, and thermodynamic stability) performed at Invitae indicates that this missense variant is expected to disrupt COASY protein function with a positive predictive value of 80%. In summary, the available evidence is currently insufficient to determine the role of this variant in disease. Therefore, it has been classified as a Variant of Uncertain Significance.

NM_025233.7(COASY):c.246C>A (p.Asp82Glu)

Gene: COASY (Coenzyme A synthase; plus strand). Cytogenetic location: 17q21.2.
Variant type: single nucleotide variant.
Coding change: c.246C>A on transcript NM_025233.7 (MANE Select); coding-DNA position 246, C replaced by A.
Protein change: p.Asp82Glu; replaces aspartic acid 82 with glutamic acid.
Molecular consequence: missense variant.
Genome position (GRCh38, 1-based): chr17:42,562,868, C>A. VCF-style: chr17-42562868-C-A. GRCh37 (hg19) VCF-style: chr17-40714886-C-A.
Other names: c.246C>A, p.Asp82Glu (NM_001042529.3); c.333C>A, p.Asp111Glu (NM_001042532.4); short protein forms D82E, D111E.
Identifiers: ClinVar variation 3016995 (VCV003016995.3), dbSNP rs2092983551, ClinGen allele CA399617203.